The following is an entry in ClinVar:

ClinVar aggregate classification (germline): Uncertain significance (1 of 4 stars; one submission).

Conditions:
Progressive microcephaly-seizures-cortical blindness-developmental delay syndrome. Also called: Seizures, cortical blindness, and microcephaly syndrome. Identifiers: Orphanet 477814, MedGen C5567650, MONDO:0014714, OMIM 616632.
Autosomal dominant nonsyndromic hearing loss 1. Also called: KONIGSMARK SYNDROME; DEAFNESS, AUTOSOMAL DOMINANT 1, WITH OR WITHOUT THROMBOCYTOPENIA. Identifiers: Orphanet 90635, MedGen C1852282, MONDO:0007424, OMIM 124900.

Submission:

Labcorp Genetics (formerly Invitae), Labcorp
Classification: Uncertain significance for Progressive microcephaly-seizures-cortical blindness-developmental delay syndrome; Autosomal dominant nonsyndromic hearing loss 1. Last evaluated: 2022-11-26. Review status: criteria provided, single submitter. Criteria: Invitae Variant Classification Sherloc (09022015). Collection method: clinical testing. Allele origin: germline.
Comment: In summary, the available evidence is currently insufficient to determine the role of this variant in disease. Therefore, it has been classified as a Variant of Uncertain Significance. Algorithms developed to predict the effect of missense changes on protein structure and function are either unavailable or do not agree on the potential impact of this missense change (SIFT: "Deleterious"; PolyPhen-2: "Not Available"; Align-GVGD: "Class C0"). This variant has not been reported in the literature in individuals affected with DIAPH1-related conditions. This variant is not present in population databases (gnomAD no frequency). This sequence change replaces leucine, which is neutral and non-polar, with histidine, which is basic and polar, at codon 418 of the DIAPH1 protein (p.Leu418His).

NM_005219.5(DIAPH1):c.1253T>A (p.Leu418His)

Gene: DIAPH1 (diaphanous related formin 1; minus strand). Cytogenetic location: 5q31.3.
Variant type: single nucleotide variant.
Coding change: c.1253T>A on transcript NM_005219.5 (MANE Select); coding-DNA position 1253, T replaced by A.
Protein change: p.Leu418His; replaces leucine 418 with histidine.
Molecular consequence: missense variant.
Genome position (GRCh38, 1-based): chr5:141,577,502, A>T on the plus strand (T>A on the coding strand, the complement: DIAPH1 is on the minus strand). VCF-style: chr5-141577502-A-T. GRCh37 (hg19) VCF-style: chr5-140957069-A-T.
Other names: c.1226T>A, p.Leu409His (NM_001079812.3); c.1253T>A, p.Leu418His (NM_001314007.2); short protein forms L409H, L418H.
Identifiers: ClinVar variation 2933694 (VCV002933694.3), dbSNP rs2513754506, ClinGen allele CA361528734.
Genomic context (GRCh38, chr5:141,577,502, plus strand): 5'-AATTCAAAACTTCTCATAAGCACAGCATCTTACCTGGCCTCATAGTCATTTCGGACCAAG[A>T]GTAAGTGCTGCAGGATGGAAAGGAAGTGTGGCTCTGCCTTTGAATCCTTCACTGTGTTTA-3'
Protein context (NP_005210.3, residues 408-428): PHFLSILQHL[Leu418His]LVRNDYEARP